The following is an entry in ClinVar:

ClinVar aggregate classification (germline): Uncertain significance (1 of 4 stars; one submission).

Submission:

Ambry Genetics
Classification: Uncertain significance. Last evaluated: 2025-09-18. Review status: criteria provided, single submitter. Criteria: Ambry Variant Classification Scheme 2023. Collection method: clinical testing. Allele origin: germline.
Comment: The p.K646E variant (also known as c.1936A>G), located in coding exon 20 of the RASA2 gene, results from an A to G substitution at nucleotide position 1936. The lysine at codon 646 is replaced by glutamic acid, an amino acid with similar properties. This amino acid position is conserved. In addition, the in silico prediction for this alteration is inconclusive. Based on the available evidence, the clinical significance of this variant remains unclear.

NM_006506.5(RASA2):c.1936A>G (p.Lys646Glu)

Gene: RASA2 (RAS p21 protein activator 2; plus strand). Cytogenetic location: 3q23.
Variant type: single nucleotide variant.
Coding change: c.1936A>G on transcript NM_006506.5 (MANE Select); coding-DNA position 1936, A replaced by G.
Protein change: p.Lys646Glu; replaces lysine 646 with glutamic acid.
Molecular consequence: missense variant.
Genome position (GRCh38, 1-based): chr3:141,607,680, A>G. VCF-style: chr3-141607680-A-G. GRCh37 (hg19) VCF-style: chr3-141326522-A-G.
Other names: c.1939A>G, p.Lys647Glu (NM_001303245.3); c.1948A>G, p.Lys650Glu (NM_001303246.3); short protein forms K647E, K646E, K650E.
Identifiers: ClinVar variation 4575852 (VCV004575852.1).